The following is an entry in ClinVar:

NM_032520.5(GNPTG):c.16G>A (p.Ala6Thr)

Genes: GNPTG (N-acetylglucosamine-1-phosphate transferase subunit gamma; plus strand), LOC130058158 (ATAC-STARR-seq lymphoblastoid silent region 6972; plus strand). Cytogenetic location: 16p13.3.
Variant type: single nucleotide variant.
Coding change: c.16G>A on transcript NM_032520.5 (MANE Select); coding-DNA position 16, G replaced by A.
Protein change: p.Ala6Thr; replaces alanine 6 with threonine.
Molecular consequence: missense variant.
Genome position (GRCh38, 1-based): chr16:1,351,981, G>A. VCF-style: chr16-1351981-G-A. GRCh37 (hg19) VCF-style: chr16-1401982-G-A.
Other names: short protein forms A6T.
Identifiers: ClinVar variation 1922912 (VCV001922912.3), dbSNP rs1243134852, ClinGen allele CA394183803.

ClinVar aggregate classification (germline): Uncertain significance (1 of 4 stars; one submission).

Allele frequency attached by ClinVar (database versions not stated): gnomAD exomes 0.00001.
gnomAD v4.1: 6 of 1,386,426 alleles (0.00043%); highest among the groups gnomAD compares: South Asian, 0.0079%; no homozygotes.

Submission:

Labcorp Genetics (formerly Invitae), Labcorp
Classification: Uncertain significance. Last evaluated: 2025-03-31. Review status: criteria provided, single submitter. Criteria: Invitae Variant Classification Sherloc (09022015). Collection method: clinical testing. Allele origin: germline.
Comment: This sequence change replaces alanine, which is neutral and non-polar, with threonine, which is neutral and polar, at codon 6 of the GNPTG protein (p.Ala6Thr). The frequency data for this variant in the population databases is considered unreliable, as metrics indicate poor data quality at this position in the gnomAD database. This variant has not been reported in the literature in individuals affected with GNPTG-related conditions. ClinVar contains an entry for this variant (Variation ID: 1922912). An algorithm developed to predict the effect of missense changes on protein structure and function outputs the following: PolyPhen-2: "Not Available". The threonine amino acid residue is found in multiple mammalian species, which suggests that this missense change does not adversely affect protein function. In summary, the available evidence is currently insufficient to determine the role of this variant in disease. Therefore, it has been classified as a Variant of Uncertain Significance.